The following is an entry in ClinVar:

NM_004456.5(EZH2):c.2039T>C (p.Val680Ala)

Gene: EZH2 (enhancer of zeste 2 polycomb repressive complex 2 subunit; minus strand). Cytogenetic location: 7q36.1.
Variant type: single nucleotide variant.
Coding change: c.2039T>C on transcript NM_004456.5 (MANE Select); coding-DNA position 2039, T replaced by C.
Protein change: p.Val680Ala; replaces valine 680 with alanine.
Molecular consequence: missense variant.
Genome position (GRCh38, 1-based): chr7:148,809,381, A>G on the plus strand (T>C on the coding strand, the complement: EZH2 is on the minus strand). VCF-style: chr7-148809381-A-G. GRCh37 (hg19) VCF-style: chr7-148506473-A-G.
Other names: c.2024T>C, p.Val675Ala (NM_001203247.2); c.1997T>C, p.Val666Ala (NM_001203248.2); c.1871T>C, p.Val624Ala (NM_001203249.2); c.1907T>C, p.Val636Ala (NM_152998.3); short protein forms V624A, V636A, V666A, V675A, V680A.
Identifiers: ClinVar variation 2428997 (VCV002428997.2), dbSNP rs2536290285, ClinGen allele CA369712373.

ClinVar aggregate classification (germline): Uncertain significance (1 of 4 stars; one submission).

Submission:

GeneDx
Classification: Uncertain significance. Last evaluated: 2022-08-01. Review status: criteria provided, single submitter. Criteria: GeneDx Variant Classification Process June 2021. Collection method: clinical testing. Allele origin: germline. Affected: yes.
Comment: Not observed at significant frequency in large population cohorts (gnomAD); In silico analysis supports that this missense variant has a deleterious effect on protein structure/function; Has not been previously published as pathogenic or benign to our knowledge